The following is an entry in ClinVar:

ClinVar aggregate classification (germline): Uncertain significance. Review status: criteria provided, single submitter (1 of 4 stars). 2 submissions from 2 submitters: Uncertain significance (1). 1 of the submissions does not count toward it. Last evaluated 2024-09-09.

Conditions:
CDKL5 disorder. Identifiers: MedGen CN296942, MONDO:0100039.
Developmental and epileptic encephalopathy, 2 (DEE2). Also called: INFANTILE SPASM SYNDROME, X-LINKED 2; CDKL5 deficiency disorder. Identifiers: Orphanet 1934, Orphanet 3451, Orphanet 505652, MedGen C4750718, MONDO:0010396, OMIM 300672.

Submissions (2):

Centre for Population Genomics, CPG
Classification: Uncertain significance for CDKL5 disorder. Last evaluated: 2024-09-09. Review status: criteria provided, single submitter. Criteria: McKnight et al. (Hum Mutat. 2022). Collection method: curation. Allele origin: germline. Inheritance: X-linked inheritance.
Comment: This variant has been collected from RettBASE and curated to current modified ACMG/AMP criteria. Based on the classification scheme defined by the ClinGen Rett/Angelman-like Expert Panel for Rett/AS-like Disorders Specifications to the ACMG/AMP Variant Interpretation Guidelines VCEP 3.0, this variant is classified as a variant of uncertain significance. At least the following criteria are met: This variant is absent from gnomAD (PM2_Supporting). This variant has been identified as a de novo occurrence in an individual with CDKL5 disorder without confirmation of paternity and maternity (PM6, PMID: 23064044).

RettBASE
Classification: Pathogenic for Epileptic encephalopathy, early infantile, 2. Last evaluated: 2014-03-13. Review status: no assertion criteria provided. Collection method: curation. Allele origin: de novo. Affected: yes. Observed: 1 variant allele. Not counted in ClinVar's aggregate classification.
Comment: De novo mutation; In silico prediction: SIFT = deleterious, MutationTaster = disease-causing, PolyPhen2 = probably damaging, AlignGVGD = benign (C0)

Literature cited by the submitters: PubMed 23064044 (cited by RettBASE).

NM_001323289.2(CDKL5):c.526T>G (p.Trp176Gly)

Gene: CDKL5 (cyclin dependent kinase like 5; plus strand). Cytogenetic location: Xp22.13.
Variant type: single nucleotide variant.
Coding change: c.526T>G on transcript NM_001323289.2 (MANE Select); coding-DNA position 526, T replaced by G.
Protein change: p.Trp176Gly; replaces tryptophan 176 with glycine.
Molecular consequence: missense variant.
Genome position (GRCh38, 1-based): chrX:18,584,325, T>G. VCF-style: chrX-18584325-T-G. GRCh37 (hg19) VCF-style: chrX-18602445-T-G.
Other names: NM_001323289.2(CDKL5):c.526T>G; p.Trp176Gly; c.526T>G, p.Trp176Gly (NM_001037343.2, NM_003159.3); short protein forms W176G.
Identifiers: ClinVar variation 189594 (VCV000189594.3), dbSNP rs587783084, ClinGen allele CA199409.
Genomic context (GRCh38, chrX:18,584,325, plus strand): 5'-TTTGCTCGTAATCTGTCAGAAGGCAATAATGCTAATTACACAGAGTACGTTGCCACCAGA[T>G]GGTATCGGTCCCCAGAACTCTTACTTGGGTGAGTTACCGTCCCAAAATAGAATGACATTT-3'
Protein context (NP_001310218.1, residues 166-186): ANYTEYVATR[Trp176Gly]YRSPELLLGA